The following is an entry in ClinVar:

NM_000252.3(MTM1):c.1459G>T (p.Glu487Ter)

Gene: MTM1 (myotubularin 1; plus strand). Cytogenetic location: Xq28.
Variant type: single nucleotide variant.
Coding change: c.1459G>T on transcript NM_000252.3 (MANE Select); coding-DNA position 1459, G replaced by T.
Protein change: p.Glu487Ter; replaces glutamic acid 487 with a stop codon.
Molecular consequence: nonsense.
Genome position (GRCh38, 1-based): chrX:150,660,476, G>T. VCF-style: chrX-150660476-G-T. GRCh37 (hg19) VCF-style: chrX-149828949-G-T.
Other names: c.1459G>T, p.Glu487Ter (NM_001376906.1, NM_001376908.1); c.1348G>T, p.Glu450Ter (NM_001376907.1); short protein forms E450*, E487*.
Identifiers: ClinVar variation 1074917 (VCV001074917.9), dbSNP rs2148511970, ClinGen allele CA415259810.

ClinVar aggregate classification (germline): Pathogenic (1 of 4 stars; one submission).

Conditions:
Severe X-linked myotubular myopathy (CNMX). Also called: Myotubular myopathy, X-linked; MYOTUBULAR MYOPATHY 1; X-linked centronuclear myopathy. Identifiers: Orphanet 596, MedGen C0410203, MONDO:0010683, OMIM 310400.

Submission:

Labcorp Genetics (formerly Invitae), Labcorp
Classification: Pathogenic for Severe X-linked myotubular myopathy. Last evaluated: 2020-11-30. Review status: criteria provided, single submitter. Criteria: Invitae Variant Classification Sherloc (09022015). Collection method: clinical testing. Allele origin: germline.
Comment: For these reasons, this variant has been classified as Pathogenic. This variant has been observed in individual(s) with myotubular myopathy (Invitae). This variant is not present in population databases (ExAC no frequency). This sequence change creates a premature translational stop signal (p.Glu487*) in the MTM1 gene. It is expected to result in an absent or disrupted protein product. Loss-of-function variants in MTM1 are known to be pathogenic (PMID: 9305655, 10063835).

Literature cited by the submitters: PubMed 9305655; PubMed 10063835.